The following is an entry in ClinVar:

NM_033100.4(CDHR1):c.227G>A (p.Ser76Asn)

Gene: CDHR1 (cadherin related family member 1; plus strand). Cytogenetic location: 10q23.1.
Variant type: single nucleotide variant.
Coding change: c.227G>A on transcript NM_033100.4 (MANE Select); coding-DNA position 227, G replaced by A.
Protein change: p.Ser76Asn; replaces serine 76 with asparagine.
Molecular consequence: missense variant.
Genome position (GRCh38, 1-based): chr10:84,196,580, G>A. VCF-style: chr10-84196580-G-A. GRCh37 (hg19) VCF-style: chr10-85956336-G-A.
Other names: c.227G>A, p.Ser76Asn (NM_001171971.3); short protein forms S76N.
Identifiers: ClinVar variation 1051816 (VCV001051816.4), dbSNP rs771221565, ClinGen allele CA5579464.

ClinVar aggregate classification (germline): Uncertain significance (1 of 4 stars; one submission).

Allele frequency attached by ClinVar (database versions not stated): TOPMed below 0.00001; ExAC 0.00001; gnomAD exomes below 0.00001; gnomAD 0.00001.
gnomAD v4.1: 5 of 1,614,096 alleles (0.00031%); highest among the groups gnomAD compares: Non-Finnish European, 0.00042%; no homozygotes.

Submission:

Labcorp Genetics (formerly Invitae), Labcorp
Classification: Uncertain significance. Last evaluated: 2021-09-09. Review status: criteria provided, single submitter. Criteria: Invitae Variant Classification Sherloc (09022015). Collection method: clinical testing. Allele origin: germline.
Comment: This sequence change replaces serine with asparagine at codon 76 of the CDHR1 protein (p.Ser76Asn). The serine residue is moderately conserved and there is a small physicochemical difference between serine and asparagine. This variant is present in population databases (rs771221565, ExAC 0.001%). This variant has not been reported in the literature in individuals affected with CDHR1-related conditions. Advanced modeling of protein sequence and biophysical properties (such as structural, functional, and spatial information, amino acid conservation, physicochemical variation, residue mobility, and thermodynamic stability) performed at Invitae indicates that this missense variant is not expected to disrupt CDHR1 protein function. In summary, the available evidence is currently insufficient to determine the role of this variant in disease. Therefore, it has been classified as a Variant of Uncertain Significance.